The following is an entry in ClinVar:

ClinVar aggregate classification (germline): Uncertain significance (1 of 4 stars; one submission).

Conditions:
DICER1-related tumor predisposition. Also called: DICER1 syndrome; DICER1-related pleuropulmonary blastoma cancer predisposition syndrome. Identifiers: Orphanet 284343, MedGen C3839822, MONDO:0100216.

Submission:

Labcorp Genetics (formerly Invitae), Labcorp
Classification: Uncertain significance for DICER1-related tumor predisposition. Last evaluated: 2023-04-27. Review status: criteria provided, single submitter. Criteria: Invitae Variant Classification Sherloc (09022015). Collection method: clinical testing. Allele origin: germline.
Comment: In summary, the available evidence is currently insufficient to determine the role of this variant in disease. Therefore, it has been classified as a Variant of Uncertain Significance. Advanced modeling of protein sequence and biophysical properties (such as structural, functional, and spatial information, amino acid conservation, physicochemical variation, residue mobility, and thermodynamic stability) performed at Invitae indicates that this missense variant is not expected to disrupt DICER1 protein function. ClinVar contains an entry for this variant (Variation ID: 1353330). This variant has not been reported in the literature in individuals affected with DICER1-related conditions. This variant is not present in population databases (gnomAD no frequency). This sequence change replaces isoleucine, which is neutral and non-polar, with serine, which is neutral and polar, at codon 298 of the DICER1 protein (p.Ile298Ser).

NM_177438.3(DICER1):c.893T>G (p.Ile298Ser)

Gene: DICER1 (dicer 1, ribonuclease III; minus strand). Cytogenetic location: 14q32.13.
Variant type: single nucleotide variant.
Coding change: c.893T>G on transcript NM_177438.3 (MANE Select); coding-DNA position 893, T replaced by G.
Protein change: p.Ile298Ser; replaces isoleucine 298 with serine.
Molecular consequence: missense variant.
Genome position (GRCh38, 1-based): chr14:95,126,590, A>C on the plus strand (T>G on the coding strand, the complement: DICER1 is on the minus strand). VCF-style: chr14-95126590-A-C. GRCh37 (hg19) VCF-style: chr14-95592927-A-C.
Other names: c.893T>G, p.Ile298Ser (NM_001195573.1, NM_001271282.3, NM_001291628.2 and 1 more transcripts); short protein forms I298S.
Identifiers: ClinVar variation 1353330 (VCV001353330.7), dbSNP rs2140232349, ClinGen allele CA390887436.